The following is an entry in ClinVar:

NM_001365276.2(TNXB):c.4926G>C (p.Lys1642Asn)

Gene: TNXB (tenascin XB; minus strand). Cytogenetic location: 6p21.33.
Variant type: single nucleotide variant.
Coding change: c.4926G>C on transcript NM_001365276.2 (MANE Select); coding-DNA position 4926, G replaced by C.
Protein change: p.Lys1642Asn; replaces lysine 1642 with asparagine.
Molecular consequence: missense variant.
Genome position (GRCh38, 1-based): chr6:32,072,054, C>G on the plus strand (G>C on the coding strand, the complement: TNXB is on the minus strand). VCF-style: chr6-32072054-C-G. GRCh37 (hg19) VCF-style: chr6-32039831-C-G.
Other names: p.Lys1642Asn; c.4926G>C, p.Lys1642Asn (NM_019105.8); short protein forms K1642N.
Identifiers: ClinVar variation 2560875 (VCV002560875.4), dbSNP rs764100849, ClinGen allele CA3734853.

ClinVar aggregate classification (germline): Uncertain significance. Review status: criteria provided, multiple submitters, no conflicts (2 of 4 stars). 2 submissions from 2 submitters: Uncertain significance (2). Last evaluated 2025-12-08.

Conditions:
Cardiovascular phenotype. Identifiers: MedGen CN230736.

Allele frequency attached by ClinVar (database versions not stated): ExAC 0.00003.
gnomAD v4.1: 42 of 1,612,328 alleles (0.0026%); highest among the groups gnomAD compares: Non-Finnish European, 0.0036%; no homozygotes.

Submissions (2):

Mayo Clinic Laboratories, Mayo Clinic
Classification: Uncertain significance. Last evaluated: 2025-12-08. Review status: criteria provided, single submitter. Criteria: ACMG Guidelines, 2015. Collection method: clinical testing. Allele origin: germline. Observed: 2 variant alleles.
Comment: BP4

Ambry Genetics
Classification: Uncertain significance for Cardiovascular phenotype. Last evaluated: 2025-04-19. Review status: criteria provided, single submitter. Criteria: Ambry Variant Classification Scheme 2023. Collection method: clinical testing. Allele origin: germline.
Comment: The p.K1642N variant (also known as c.4926G>C), located in coding exon 12 of the TNXB gene, results from a G to C substitution at nucleotide position 4926. The lysine at codon 1642 is replaced by asparagine, an amino acid with similar properties. This amino acid position is conserved. In addition, this alteration is predicted to be tolerated by in silico analysis. Since supporting evidence is limited at this time, the clinical significance of this alteration remains unclear.